The following is an entry in ClinVar:

ClinVar aggregate classification (germline): Uncertain significance (1 of 4 stars; one submission).

Conditions:
Peroxisome biogenesis disorder 11A (Zellweger). Also called: Peroxisome biogenesis disorder 11A. Identifiers: Orphanet 912, MedGen C3554000, MONDO:0013949, OMIM 614883.

gnomAD v4.1: 2 of 1,613,530 alleles (0.00012%); highest among the groups gnomAD compares: East Asian, 0.0022%; no homozygotes.

Submission:

Labcorp Genetics (formerly Invitae), Labcorp
Classification: Uncertain significance for Peroxisome biogenesis disorder 11A (Zellweger). Last evaluated: 2019-09-16. Review status: criteria provided, single submitter. Criteria: Invitae Variant Classification Sherloc (09022015). Collection method: clinical testing. Allele origin: germline.
Comment: This variant is not present in population databases (ExAC no frequency). This sequence change replaces alanine with aspartic acid at codon 33 of the PEX13 protein (p.Ala33Asp). The alanine residue is moderately conserved and there is a moderate physicochemical difference between alanine and aspartic acid. This variant has not been reported in the literature in individuals with PEX13-related conditions. In summary, the available evidence is currently insufficient to determine the role of this variant in disease. Therefore, it has been classified as a Variant of Uncertain Significance. Algorithms developed to predict the effect of missense changes on protein structure and function (SIFT, PolyPhen-2, Align-GVGD) all suggest that this variant is likely to be tolerated, but these predictions have not been confirmed by published functional studies and their clinical significance is uncertain.

NM_002618.4(PEX13):c.98C>A (p.Ala33Asp)

Gene: PEX13 (peroxisomal biogenesis factor 13; plus strand). Cytogenetic location: 2p15.
Variant type: single nucleotide variant.
Coding change: c.98C>A on transcript NM_002618.4 (MANE Select); coding-DNA position 98, C replaced by A.
Protein change: p.Ala33Asp; replaces alanine 33 with aspartic acid.
Molecular consequence: missense variant.
Genome position (GRCh38, 1-based): chr2:61,031,424, C>A. VCF-style: chr2-61031424-C-A. GRCh37 (hg19) VCF-style: chr2-61258559-C-A.
Other names: short protein forms A33D.
Identifiers: ClinVar variation 961191 (VCV000961191.9), dbSNP rs1458042764, ClinGen allele CA346940848.